The following is an entry in ClinVar:

ClinVar aggregate classification (germline): Benign. Review status: criteria provided, multiple submitters, no conflicts (2 of 4 stars). 2 submissions from 2 submitters: Benign (2). Last evaluated 2026-01-29.

Allele frequency attached by ClinVar (database versions not stated): 1000 Genomes Project 30x 0.03076.
gnomAD v4.1: 4,806 of 858,098 alleles (0.56%); highest among the groups gnomAD compares: African/African-American, 6.1%; 131 homozygotes.

Submissions (2):

Women's Health and Genetics/Laboratory Corporation of America, LabCorp
Classification: Benign. Last evaluated: 2026-01-29. Review status: criteria provided, single submitter. Criteria: LabCorp Variant Classification Summary - May 2015. Collection method: clinical testing. Allele origin: germline.
Comment: Variant summary: RNU7-1 n.-5C>T is located in the untranscribed region upstream of the RNU7-1 gene region. The variant allele was found at a frequency of 0.017 in 31410 control chromosomes, predominantly at a frequency of 0.061 within the African or African-American subpopulation in the gnomAD database, including 20 homozygotes. The observed variant frequency within African or African-American control individuals in the gnomAD database exceeds the estimated maximal expected allele frequency for disease-causing variants in RNU7-1. To our knowledge, no occurrence of n.-5C>T in individuals affected with RNU7-1-related conditions and no experimental evidence demonstrating its impact on protein function have been reported. ClinVar contains an entry for this variant (Variation ID: 1266944). Based on the evidence outlined above, the variant was classified as benign.

GeneDx
Classification: Benign. Last evaluated: 2021-03-28. Review status: criteria provided, single submitter. Criteria: GeneDx Variant Classification Process June 2021. Collection method: clinical testing. Allele origin: germline. Affected: yes.

NC_000012.12:g.6943811C>T

Genes: C12orf57 (chromosome 12 open reading frame 57; plus strand), RNU7-1 (RNA, U7 small nuclear 1; plus strand). Cytogenetic location: 12p13.31.
Variant type: single nucleotide variant.
Molecular consequence: intron variant (on NM_001301836.2).
Genome position: GRCh38 VCF-style: chr12-6943811-C-T. GRCh37 (hg19) VCF-style: chr12-7052974-C-T.
Other names: c.13+149C>T (NM_001301836.2); c.-16+149C>T (NM_001301834.1).
Identifiers: ClinVar variation 1266944 (VCV001266944.5), dbSNP rs76168000, ClinGen allele CA232435111.
Genomic context (GRCh38, chr12:6,943,811, plus strand): 5'-TAAGCTCACCCTCATCAATTGTGGAGTTCCTTTATATCCCATCTTCTCTCCAAACACATA[C>T]GCAGCAGTGTTACAGCTCTTTTAGAATTTGTCTAGTAGGCTTTCTGGCTTTTTACCGGAA-3'